The following is an entry in ClinVar:

NM_012186.3(FOXE3):c.289A>G (p.Ile97Val)

Genes: FOXE3 (forkhead box E3; plus strand), LINC01389 (long intergenic non-protein coding RNA 1389; minus strand). Cytogenetic location: 1p33.
Variant type: single nucleotide variant.
Coding change: c.289A>G on transcript NM_012186.3 (MANE Select); coding-DNA position 289, A replaced by G.
Protein change: p.Ile97Val; replaces isoleucine 97 with valine.
Molecular consequence: missense variant.
Genome position (GRCh38, 1-based): chr1:47,416,604, A>G. VCF-style: chr1-47416604-A-G. GRCh37 (hg19) VCF-style: chr1-47882276-A-G.
Other names: short protein forms I97V.
Identifiers: ClinVar variation 983475 (VCV000983475.5), dbSNP rs774505755, ClinGen allele CA842928.

ClinVar aggregate classification (germline): Likely pathogenic. Review status: criteria provided, single submitter (1 of 4 stars). 3 submissions from 3 submitters: Likely pathogenic (1). 2 of the submissions do not count toward it. Last evaluated 2022-05-22.

Conditions:
Congenital primary aphakia. Also called: Anterior segment dysgenesis 2, multiple subtypes; ANTERIOR SEGMENT DYSGENESIS 2. Identifiers: Orphanet 83461, MedGen C1853230, MONDO:0012456, OMIM 610256.

Allele frequency attached by ClinVar (database versions not stated): gnomAD below 0.00001 and 0.00001; ExAC 0.00001; gnomAD exomes 0.00002.

Submissions (3):

3billion
Classification: Likely pathogenic for Congenital primary aphakia. Last evaluated: 2022-05-22. Review status: criteria provided, single submitter. Criteria: ACMG Guidelines, 2015. Collection method: clinical testing. Allele origin: germline. Affected: yes. Observed: 1 homozygote.
Comment: The variant is observed at an extremely low frequency in the gnomAD v2.1.1 dataset (total allele frequency: 0.002%). In silico tool predictions suggest damaging effect of the variant on gene or gene product (REVEL: 0.78; 3Cnet: 0.78). Same nucleotide change resulting in same amino acid change (ClinVar ID: VCV000983475) and a different missense change at the same codon (p.Ile97Met, ClinVar ID: VCV000935371 / PMID: 29878917) have been reported to be associated with FOXE3 related disorder.The variant has been reported to be in trans with a pathogenic variant as either compound heterozygous or homozygous in at least one similarly affected unrelated individual (PMID: 20806047, 25148791, 26995144, 34046667) and co-segregate with the disease in at least 3 similarly affected relatives/individuals in the same family or similarly affected unrelated family (PMID: 32976546). Therefore, this variant is classified as likely pathogenic according to the recommendation of ACMG/AMP guideline.

Genomics, Genetics and Epigenetics Laboratory, Medical College of Wisconsin
Classification: Pathogenic for Congenital primary aphakia. Last evaluated: 2021-05-01. Review status: no assertion criteria provided. Collection method: research. Allele origin: germline. Affected: yes. Not counted in ClinVar's aggregate classification.

Laboratory of NeuroGenetics and Regenerative Medicine, University of Maryland School of Medicine
Classification: Likely pathogenic for Congenital primary aphakia. Review status: no assertion criteria provided. Collection method: research. Allele origin: inherited. Inheritance: Autosomal recessive inheritance. Affected: yes. Observed: 1 homozygote. Not counted in ClinVar's aggregate classification.

Literature cited by the submitters: PubMed 20806047 (cited by 3billion); PubMed 29878917 (cited by 3billion); PubMed 34046667 (cited by 3billion and Genomics, Genetics and Epigenetics Laboratory, Medical College of Wisconsin); PubMed 32976546 (cited by 3billion); PubMed 26995144 (cited by 3billion); PubMed 25148791 (cited by 3billion).